The following is an entry in ClinVar:

ClinVar aggregate classification (germline): Uncertain significance (1 of 4 stars; one submission).

Submission:

Labcorp Genetics (formerly Invitae), Labcorp
Classification: Uncertain significance. Last evaluated: 2023-12-19. Review status: criteria provided, single submitter. Criteria: Invitae Variant Classification Sherloc (09022015). Collection method: clinical testing. Allele origin: germline.
Comment: This sequence change replaces alanine, which is neutral and non-polar, with valine, which is neutral and non-polar, at codon 99 of the FOXI3 protein (p.Ala99Val). The frequency data for this variant in the population databases is considered unreliable, as metrics indicate insufficient coverage at this position in the gnomAD database. This variant has not been reported in the literature in individuals affected with FOXI3-related conditions. Experimental studies and prediction algorithms are not available or were not evaluated, and the functional significance of this variant is currently unknown. In summary, the available evidence is currently insufficient to determine the role of this variant in disease. Therefore, it has been classified as a Variant of Uncertain Significance.

NM_001135649.3(FOXI3):c.296C>T (p.Ala99Val)

Gene: FOXI3 (forkhead box I3; minus strand). Cytogenetic location: 2p11.2.
Variant type: single nucleotide variant.
Coding change: c.296C>T on transcript NM_001135649.3 (MANE Select); coding-DNA position 296, C replaced by T.
Protein change: p.Ala99Val; replaces alanine 99 with valine.
Molecular consequence: missense variant.
Genome position (GRCh38, 1-based): chr2:88,452,240, G>A on the plus strand (C>T on the coding strand, the complement: FOXI3 is on the minus strand). VCF-style: chr2-88452240-G-A. GRCh37 (hg19) VCF-style: chr2-88751758-G-A.
Other names: short protein forms A99V.
Identifiers: ClinVar variation 2704356 (VCV002704356.3), dbSNP rs2528917206, ClinGen allele CA347766654.